The following is an entry in ClinVar:

ClinVar aggregate classification (germline): Uncertain significance (1 of 4 stars; one submission).

gnomAD v4.1: 12 of 1,608,616 alleles (0.00075%); highest among the groups gnomAD compares: Non-Finnish European, 0.00094%; no homozygotes.

Submission:

Labcorp Genetics (formerly Invitae), Labcorp
Classification: Uncertain significance. Last evaluated: 2025-02-12. Review status: criteria provided, single submitter. Criteria: Invitae Variant Classification Sherloc (09022015). Collection method: clinical testing. Allele origin: germline.
Comment: This sequence change replaces lysine, which is basic and polar, with glutamine, which is neutral and polar, at codon 1878 of the FN1 protein (p.Lys1878Gln). This variant is present in population databases (rs751281619, gnomAD 0.003%). This variant has not been reported in the literature in individuals affected with FN1-related conditions. An algorithm developed to predict the effect of missense changes on protein structure and function (PolyPhen-2) suggests that this variant is likely to be tolerated. In summary, the available evidence is currently insufficient to determine the role of this variant in disease. Therefore, it has been classified as a Variant of Uncertain Significance.

NM_212482.4(FN1):c.5632A>C (p.Lys1878Gln)

Gene: FN1 (fibronectin 1; minus strand). Cytogenetic location: 2q35.
Variant type: single nucleotide variant.
Coding change: c.5632A>C on transcript NM_212482.4 (MANE Select); coding-DNA position 5632, A replaced by C.
Protein change: p.Lys1878Gln; replaces lysine 1878 with glutamine.
Molecular consequence: missense variant.
Genome position (GRCh38, 1-based): chr2:215,378,253, T>G on the plus strand (A>C on the coding strand, the complement: FN1 is on the minus strand). VCF-style: chr2-215378253-T-G. GRCh37 (hg19) VCF-style: chr2-216242976-T-G.
Other names: c.5632A>C, p.Lys1878Gln (NM_001306129.2); c.5362A>C, p.Lys1788Gln (NM_001306130.2, NM_001365517.2, NM_001365519.2 and 2 more transcripts); c.5089A>C, p.Lys1697Gln (NM_001306131.2, NM_001306132.2, NM_001365523.2 and 2 more transcripts); c.5359A>C, p.Lys1787Gln (NM_001365518.2, NM_001365520.2, NM_001365524.2 and 2 more transcripts); short protein forms K1788Q, K1878Q, K1787Q, K1697Q.
Identifiers: ClinVar variation 4752321 (VCV004752321.1).